The following is an entry in ClinVar:

ClinVar aggregate classification (germline): Benign/Likely benign. Review status: criteria provided, multiple submitters, no conflicts (2 of 4 stars). 8 submissions from 8 submitters: Benign (5); Likely benign (1). 2 of the submissions do not count toward it. Last evaluated 2026-02-03.

Conditions:
Congenital total pulmonary venous return anomaly (TAPVR1). Also called: TOTAL ANOMALOUS PULMONARY VENOUS RETURN 1; Total anomalous pulmonary venous return. Identifiers: Orphanet 99125, MedGen C4551903, MONDO:0007130, OMIM 106700, HP:0005160.
Cardiomyopathy (CMYO). Also called: Cardiomyopathies. Identifiers: Orphanet 167848, MedGen C0878544, MONDO:0004994, HP:0001638. Inheritance: Various modes of inheritance.
ANKRD1-related dilated cardiomyopathy. Identifiers: MedGen CN119551.

Submissions (9):

Labcorp Genetics (formerly Invitae), Labcorp
Classification: Benign for ANKRD1-related dilated cardiomyopathy. Last evaluated: 2026-02-03. Review status: criteria provided, single submitter. Criteria: Invitae Variant Classification Sherloc (09022015). Collection method: clinical testing. Allele origin: germline.

Women's Health and Genetics/Laboratory Corporation of America, LabCorp
Classification: Benign. Last evaluated: 2024-11-11. Review status: criteria provided, single submitter. Criteria: LabCorp Variant Classification Summary - May 2015. Collection method: clinical testing. Allele origin: germline.
Comment: Variant summary: ANKRD1 c.346-17_346-10delATTTATTT alters a non-conserved nucleotide located at a position not widely known to affect splicing. Several computational tools predict a significant impact on normal splicing: One predict the variant abolishes a canonical 3' acceptor site. Two predict the variant weakens a canonical 3' acceptor site. However, these predictions have yet to be confirmed by functional studies. The variant allele was found at a frequency of 0.019 in 1269304 control chromosomes in the gnomAD database, including 3441 homozygotes. The observed variant frequency is approximately 755 fold of the estimated maximal expected allele frequency for a pathogenic variant in ANKRD1 causing Cardiomyopathy phenotype (2.5e-05). To our knowledge, no occurrence of c.346-17_346-10delATTTATTT in individuals affected with Cardiomyopathy and no experimental evidence demonstrating its impact on protein function have been reported. ClinVar contains an entry for this variant (Variation ID: 45631). Based on the evidence outlined above, the variant was classified as benign.

Clinical Genetics DNA and cytogenetics Diagnostics Lab, Erasmus MC, Erasmus Medical Center
Classification: Benign for Congenital total pulmonary venous return anomaly. Last evaluated: 2017-10-11. Review status: criteria provided, single submitter. Criteria: ACGS Guidelines, 2013. Collection method: clinical testing. Allele origin: germline. Affected: yes. Study: VKGL Data-share Consensus.

Genome Diagnostics Laboratory, University Medical Center Utrecht
Classification: Benign for Congenital total pulmonary venous return anomaly. Last evaluated: 2016-10-26. Review status: criteria provided, single submitter. Criteria: ACGS Guidelines, 2013. Collection method: clinical testing. Allele origin: germline. Affected: yes. Study: VKGL Data-share Consensus.

GeneDx
Classification: Benign for Cardiomyopathy. Last evaluated: 2013-04-08. Review status: criteria provided, single submitter. Criteria: GeneDx Variant Classification (06012015). Collection method: clinical testing. Allele origin: germline. Affected: yes.
Comment: The variant is found in DCM panel(s).

Laboratory for Molecular Medicine, Mass General Brigham Personalized Medicine
Classification: Likely benign. Last evaluated: 2013-02-20. Review status: criteria provided, single submitter. Criteria: LMM Criteria. Collection method: clinical testing. Allele origin: germline. Observed: 4 variant alleles.
Comment: The c.346-17_346-10del variant in ANKRD1 has not been reported in the literature nor previously identified by our laboratory. This variant is located in a rep etitive region in intron 3 that contains several other common deletions and has been detected in 2/100 control chromosomes tested by our laboratory. Based on t he overall evidence for variants affecting this region and its frequency in cont rols this variant is likely benign.

Clinical Genetics, Academic Medical Center
Classification: Benign. Review status: no assertion criteria provided. Collection method: clinical testing. Allele origin: germline. Affected: yes. Study: VKGL Data-share Consensus. Not counted in ClinVar's aggregate classification.

Diagnostic Laboratory, Department of Genetics, University Medical Center Groningen
Classification: Benign for Congenital total pulmonary venous return anomaly. Review status: no assertion criteria provided. Collection method: clinical testing. Allele origin: germline. Affected: yes. Study: VKGL Data-share Consensus. Not counted in ClinVar's aggregate classification.

Dr. Peter K. Rogan Lab, Western University
No classification provided (evidence only). Condition: Cholangiocarcinoma. Review status: no classification provided. Collection method: in vitro. Allele origin: not applicable. Functional consequence: retained intron. Not counted in ClinVar's aggregate classification.

NM_014391.3(ANKRD1):c.346-17_346-10del

Gene: ANKRD1 (ankyrin repeat domain 1; minus strand). Cytogenetic location: 10q23.31.
Variant type: Microsatellite.
Coding change: c.346-17_346-10del on transcript NM_014391.3 (MANE Select); 17 bases into the intron before coding-DNA position 346 through 10 bases into the intron before coding-DNA position 346, 8 bases deleted (ATTTATTT; older notation c.346-17_346-10delATTTATTT).
Molecular consequence: intron variant.
Genome position (GRCh38, 1-based): chr10:90,918,982-90,918,989, AAATAAAT deleted on the plus strand (ATTTATTT on the coding strand, the reverse complement: ANKRD1 is on the minus strand); deleting any 8 consecutive bases within chr10:90,918,982-90,918,994 gives the same sequence; the c. name uses the placement nearest the transcript's 3' end. VCF-style (leftmost placement, unchanged base first): chr10-90918981-AAAATAAAT-A. GRCh37 (hg19) VCF-style: chr10-92678738-AAAATAAAT-A.
Other names: NC_000010.10:g.92678744_92678751del; c.346-17_346-10delATTTATTT (NM_014391.3, NM_014391.2); c.346-22_346-15del (NM_014391.3).
Identifiers: ClinVar variation 45631 (VCV000045631.19), dbSNP rs397517250, ClinGen allele CA136836.